The following is an entry in ClinVar:

ClinVar aggregate classification (germline): Uncertain significance (1 of 4 stars; one submission).

Conditions:
Niemann-Pick disease, type C1. Also called: NEUROVISCERAL STORAGE DISEASE WITH VERTICAL SUPRANUCLEAR OPHTHALMOPLEGIA; NIEMANN-PICK DISEASE WITH CHOLESTEROL ESTERIFICATION BLOCK; NIEMANN-PICK DISEASE WITHOUT SPHINGOMYELINASE DEFICIENCY; NIEMANN-PICK DISEASE, CHRONIC NEURONOPATHIC FORM; NIEMANN-PICK DISEASE, VARIANT TYPE C1. Identifiers: Orphanet 646, MedGen C3179455, MONDO:0009757, OMIM 257220.

Allele frequency attached by ClinVar (database versions not stated): ExAC 0.00002; TOPMed below 0.00001; gnomAD exomes 0.00001.
gnomAD v4.1: 2 of 1,614,182 alleles (0.00012%); highest among the groups gnomAD compares: Admixed American, 0.0033%; no homozygotes.

Submission:

Labcorp Genetics (formerly Invitae), Labcorp
Classification: Uncertain significance for Niemann-Pick disease, type C1. Last evaluated: 2022-02-28. Review status: criteria provided, single submitter. Criteria: Invitae Variant Classification Sherloc (09022015). Collection method: clinical testing. Allele origin: germline.
Comment: This sequence change replaces threonine, which is neutral and polar, with asparagine, which is neutral and polar, at codon 1066 of the NPC1 protein (p.Thr1066Asn). This variant is present in population databases (rs772622214, gnomAD 0.006%). This missense change has been observed in individual(s) with Niemann-Pick disease, type C (PMID: 16098014, 23142039). In at least one individual the data is consistent with being in trans (on the opposite chromosome) from a pathogenic variant. Algorithms developed to predict the effect of missense changes on protein structure and function (SIFT, PolyPhen-2, Align-GVGD) all suggest that this variant is likely to be tolerated. In summary, the available evidence is currently insufficient to determine the role of this variant in disease. Therefore, it has been classified as a Variant of Uncertain Significance.

Literature cited by the submitters: PubMed 16098014; PubMed 23142039.

NM_000271.5(NPC1):c.3197C>A (p.Thr1066Asn)

Gene: NPC1 (NPC intracellular cholesterol transporter 1; minus strand). Cytogenetic location: 18q11.2.
Variant type: single nucleotide variant.
Coding change: c.3197C>A on transcript NM_000271.5 (MANE Select); coding-DNA position 3197, C replaced by A.
Protein change: p.Thr1066Asn; replaces threonine 1066 with asparagine.
Molecular consequence: missense variant.
Genome position (GRCh38, 1-based): chr18:23,536,721, G>T on the plus strand (C>A on the coding strand, the complement: NPC1 is on the minus strand). VCF-style: chr18-23536721-G-T. GRCh37 (hg19) VCF-style: chr18-21116685-G-T.
Other names: short protein forms T1066N.
Identifiers: ClinVar variation 1467416 (VCV001467416.4), dbSNP rs772622214, ClinGen allele CA8912844.